The following is an entry in ClinVar:

ClinVar aggregate classification (germline): Uncertain significance (1 of 4 stars; one submission).

Submission:

Labcorp Genetics (formerly Invitae), Labcorp
Classification: Uncertain significance. Last evaluated: 2023-10-05. Review status: criteria provided, single submitter. Criteria: Invitae Variant Classification Sherloc (09022015). Collection method: clinical testing. Allele origin: germline.
Comment: This sequence change replaces leucine, which is neutral and non-polar, with valine, which is neutral and non-polar, at codon 495 of the ZCCHC8 protein (p.Leu495Val). This variant is not present in population databases (gnomAD no frequency). This variant has not been reported in the literature in individuals affected with ZCCHC8-related conditions. Advanced modeling of protein sequence and biophysical properties (such as structural, functional, and spatial information, amino acid conservation, physicochemical variation, residue mobility, and thermodynamic stability) performed at Invitae indicates that this missense variant is not expected to disrupt ZCCHC8 protein function. In summary, the available evidence is currently insufficient to determine the role of this variant in disease. Therefore, it has been classified as a Variant of Uncertain Significance.

NM_017612.5(ZCCHC8):c.1483C>G (p.Leu495Val)

Gene: ZCCHC8 (zinc finger CCHC-type containing 8; minus strand). Cytogenetic location: 12q24.31.
Variant type: single nucleotide variant.
Coding change: c.1483C>G on transcript NM_017612.5 (MANE Select); coding-DNA position 1483, C replaced by G.
Protein change: p.Leu495Val; replaces leucine 495 with valine.
Molecular consequence: missense variant.
Genome position (GRCh38, 1-based): chr12:122,474,138, G>C on the plus strand (C>G on the coding strand, the complement: ZCCHC8 is on the minus strand). VCF-style: chr12-122474138-G-C. GRCh37 (hg19) VCF-style: chr12-122958685-G-C.
Other names: c.1252C>G, p.Leu418Val (NM_001350935.2); c.1186C>G, p.Leu396Val (NM_001350936.2); c.769C>G, p.Leu257Val (NM_001350937.2, NM_001350938.2); short protein forms L495V, L257V, L396V, L418V.
Identifiers: ClinVar variation 2807657 (VCV002807657.3), dbSNP rs1305632777, ClinGen allele CA387048988.